The following is an entry in ClinVar:

NM_001659.3(ARF3):c.2T>C (p.Met1Thr)

Gene: ARF3 (ARF GTPase 3; minus strand). Cytogenetic location: 12q13.12.
Variant type: single nucleotide variant.
Coding change: c.2T>C on transcript NM_001659.3 (MANE Select); coding-DNA position 2, T replaced by C.
Protein change: p.Met1Thr; changes the start codon (methionine 1).
Molecular consequence: missense variant, initiator codon variant.
Genome position (GRCh38, 1-based): chr12:48,941,094, A>G on the plus strand (T>C on the coding strand, the complement: ARF3 is on the minus strand). VCF-style: chr12-48941094-A-G. GRCh37 (hg19) VCF-style: chr12-49334877-A-G.
Other names: c.2T>C, p.Met1Thr (NM_001412914.1, NM_001412915.1, NM_001412916.1 and 7 more transcripts); short protein forms M1T.
Identifiers: ClinVar variation 3383819 (VCV003383819.2).
Genomic context (GRCh38, chr12:48,941,094, plus strand): 5'-AGGATGCGCATCTCCTTCTTCCCAATCAGGCTCTTGAGAAGGTTTCCAAAGATATTGCCC[A>G]TGATCACAGCAGCTGCTTTCTGGGGACAGTGGGGCCCAAGTAGGGGCAGTGGCAGTCTGG-3'
Protein context (NP_001650.1, residues 1-11): [Met1Thr]GNIFGNLLKS

ClinVar aggregate classification (germline): Uncertain significance (1 of 4 stars; one submission).

Submission:

GeneDx
Classification: Uncertain significance. Last evaluated: 2025-02-07. Review status: criteria provided, single submitter. Criteria: GeneDx Variant Classification Process June 2021. Collection method: clinical testing. Allele origin: germline. Affected: yes.
Comment: Not observed at significant frequency in large population cohorts (gnomAD); Initiation codon variant in a gene for which loss-of-function is not an established mechanism of disease; Has not been previously published as pathogenic or benign to our knowledge